The following is an entry in ClinVar:

ClinVar aggregate classification (germline): Pathogenic (1 of 4 stars; one submission).

Submission:

Labcorp Genetics (formerly Invitae), Labcorp
Classification: Pathogenic. Last evaluated: 2024-01-28. Review status: criteria provided, single submitter. Criteria: Invitae Variant Classification Sherloc (09022015). Collection method: clinical testing. Allele origin: germline.
Comment: This sequence change creates a premature translational stop signal (p.Val146Tyrfs*11) in the GRIP1 gene. It is expected to result in an absent or disrupted protein product. Loss-of-function variants in GRIP1 are known to be pathogenic (PMID: 22510445, 24357607). This variant is not present in population databases (gnomAD no frequency). This variant has not been reported in the literature in individuals affected with GRIP1-related conditions. For these reasons, this variant has been classified as Pathogenic.

Literature cited by the submitters: PubMed 22510445; PubMed 24357607.

NM_001366722.1(GRIP1):c.436_437del (p.Val146fs)

Gene: GRIP1 (glutamate receptor interacting protein 1; minus strand). Cytogenetic location: 12q14.3.
Variant type: Microsatellite.
Coding change: c.436_437del on transcript NM_001366722.1 (MANE Select); coding-DNA positions 436 to 437, 2 bases deleted (GT; older notation c.436_437delGT).
Protein change: p.Val146fs; shifts the reading frame from valine 146.
Molecular consequence: frameshift variant.
Genome position (GRCh38, 1-based): chr12:66,529,896-66,529,897, AC deleted on the plus strand (GT on the coding strand, the reverse complement: GRIP1 is on the minus strand); deleting any 2 consecutive bases within chr12:66,529,896-66,529,899 gives the same sequence; the c. name uses the placement nearest the transcript's 3' end. VCF-style (leftmost placement, unchanged base first): chr12-66529895-AAC-A. GRCh37 (hg19) VCF-style: chr12-66923675-AAC-A.
Other names: c.436_437del, p.Val146fs (NM_001178074.2, NM_001379346.1, NM_021150.4); c.514_515del, p.Val172fs (NM_001366723.1, NM_001366724.1, NM_001379345.1 and 2 more transcripts); c.439_440del, p.Val147fs (NM_001379349.1, NM_001379351.1); short protein forms V146fs, V147fs, V172fs.
Identifiers: ClinVar variation 2713892 (VCV002713892.3), dbSNP rs2502285451, ClinGen allele CA2697559368.